The following is an entry in ClinVar:

ClinVar aggregate classification (germline): Uncertain significance (1 of 4 stars; one submission).

Conditions:
Intellectual developmental disorder, autosomal recessive 57. Also called: Intellectual disability, autosomal recessive 57. Identifiers: MedGen C4310673, MONDO:0014962, OMIM 617188.

Submission:

3billion
Classification: Uncertain significance for Intellectual developmental disorder, autosomal recessive 57. Last evaluated: 2023-08-08. Review status: criteria provided, single submitter. Criteria: ACMG Guidelines, 2015. Collection method: clinical testing. Allele origin: germline. Affected: yes.
Comment: The variant is not observed in the gnomAD v2.1.1 dataset. Predicted Consequence/Location: Protein truncation variants are a common disease-causing mechanism. In silico tools predict the variant to alter splicing and produce an abnormal transcript [SpliceAI: 0.86 (>=0.2, moderate evidence for spliceogenicity)]. Therefore, this variant is classified as VUS according to the recommendation of ACMG/AMP guideline.

NM_024298.5(MBOAT7):c.854G>A (p.Ser285Asn)

Gene: MBOAT7 (membrane bound acylglycerophosphatidylinositol O-acyltransferase MBOAT7; minus strand). Cytogenetic location: 19q13.42.
Variant type: single nucleotide variant.
Coding change: c.854G>A on transcript NM_024298.5 (MANE Select); coding-DNA position 854, G replaced by A.
Protein change: p.Ser285Asn; replaces serine 285 with asparagine.
Molecular consequence: missense variant.
Genome position (GRCh38, 1-based): chr19:54,180,773, C>T on the plus strand (G>A on the coding strand, the complement: MBOAT7 is on the minus strand). VCF-style: chr19-54180773-C-T. GRCh37 (hg19) VCF-style: chr19-54684490-C-T.
Other names: c.635G>A, p.Ser212Asn (NM_001146056.3, NM_001146083.3); c.854G>A, p.Ser285Asn (NM_001146082.3); short protein forms S212N, S285N.
Identifiers: ClinVar variation 3775553 (VCV003775553.1).
Genomic context (GRCh38, chr19:54,180,773, plus strand): 5'-AGCCAGCCCTTGGAGGTGGGGGCTGCTGGGTCTTGGGAAGCCTCCCTCGCGCCGCCTGAC[C>T]TGCTGGGGGGTGGGCATTGGAGGGTGGGGCCGCCTCCGGCCCGGGCTTTGGCGGCCACGG-3'
Protein context (NP_077274.3, residues 275-295): GPTLQCPPPS[Ser285Asn]PEKAASLEYD